The following is an entry in ClinVar:

ClinVar aggregate classification (germline): Uncertain significance (1 of 4 stars; one submission).

Conditions:
Fanconi anemia (FA). Also called: Fanconi's anemia. Identifiers: Orphanet 84, MedGen C0015625, MeSH D005199, MONDO:0019391.

Submission:

Labcorp Genetics (formerly Invitae), Labcorp
Classification: Uncertain significance for Fanconi anemia. Last evaluated: 2025-08-22. Review status: criteria provided, single submitter. Criteria: Invitae Variant Classification Sherloc (09022015). Collection method: clinical testing. Allele origin: germline.
Comment: This sequence change replaces serine, which is neutral and polar, with cysteine, which is neutral and slightly polar, at codon 1540 of the FANCM protein (p.Ser1540Cys). This variant is not present in population databases (gnomAD no frequency). This variant has not been reported in the literature in individuals affected with FANCM-related conditions. An algorithm developed to predict the effect of missense changes on protein structure and function (PolyPhen-2) suggests that this variant is likely to be disruptive. In summary, the available evidence is currently insufficient to determine the role of this variant in disease. Therefore, it has been classified as a Variant of Uncertain Significance.

NM_020937.4(FANCM):c.4619C>G (p.Ser1540Cys)

Gene: FANCM (FA complementation group M; plus strand). Cytogenetic location: 14q21.2.
Variant type: single nucleotide variant.
Coding change: c.4619C>G on transcript NM_020937.4 (MANE Select); coding-DNA position 4619, C replaced by G.
Protein change: p.Ser1540Cys; replaces serine 1540 with cysteine.
Molecular consequence: missense variant.
Genome position (GRCh38, 1-based): chr14:45,185,320, C>G. VCF-style: chr14-45185320-C-G. GRCh37 (hg19) VCF-style: chr14-45654523-C-G.
Other names: c.4541C>G, p.Ser1514Cys (NM_001308133.2); short protein forms S1514C, S1540C.
Identifiers: ClinVar variation 4780222 (VCV004780222.1).